The following is an entry in ClinVar:

NM_004656.4(BAP1):c.1850G>A (p.Arg617Lys)

Gene: BAP1 (BRCA1 associated deubiquitinase 1; minus strand). Cytogenetic location: 3p21.1.
Variant type: single nucleotide variant.
Coding change: c.1850G>A on transcript NM_004656.4 (MANE Select); coding-DNA position 1850, G replaced by A.
Protein change: p.Arg617Lys; replaces arginine 617 with lysine.
Molecular consequence: missense variant.
Genome position (GRCh38, 1-based): chr3:52,403,178, C>T on the plus strand (G>A on the coding strand, the complement: BAP1 is on the minus strand). VCF-style: chr3-52403178-C-T. GRCh37 (hg19) VCF-style: chr3-52437194-C-T.
Other names: short protein forms R617K.
Identifiers: ClinVar variation 1038893 (VCV001038893.7), dbSNP rs751746876, ClinGen allele CA2436700.
Genomic context (GRCh38, chr3:52,403,178, plus strand): 5'-AAACCACAACGGAGGCTCACCTTGGGTGAGTATTTCTCCCCACTCAAGGGCTCGCCAGGC[C>T]TCACCATCCCCGTCTTCTCTCTGCTGTCCGTGGCTTCCACGACCTCCTTCTCCACTGGGC-3'
Protein context (NP_004647.1, residues 607-627): TDSREKTGMV[Arg617Lys]PGEPLSGEKY

ClinVar aggregate classification (germline): Uncertain significance. Review status: criteria provided, multiple submitters, no conflicts (2 of 4 stars). 2 submissions from 2 submitters: Uncertain significance (2). Last evaluated 2022-11-15.

Conditions:
Hereditary cancer-predisposing syndrome. Also called: Neoplastic Syndromes, Hereditary; Hereditary Cancer Syndrome; Tumor predisposition; Hereditary neoplastic syndrome. Identifiers: Orphanet 140162, MedGen C0027672, MeSH D009386, MONDO:0015356.
BAP1-related tumor predisposition syndrome (TPDS1). Also called: TUMOR PREDISPOSITION SYNDROME 1; Tumor susceptibility linked to germline BAP1 mutations; COMMON Syndrome; BAP1 tumor predisposition syndrome. Identifiers: Orphanet 289539, MedGen C3280492, MONDO:0013692, OMIM 614327.

Allele frequency attached by ClinVar (database versions not stated): gnomAD exomes below 0.00001; ExAC 0.00001.
gnomAD v4.1: 1 of 1,614,148 alleles (0.000062%); highest among the groups gnomAD compares: East Asian, 0.0022%; no homozygotes.

Submissions (2):

Labcorp Genetics (formerly Invitae), Labcorp
Classification: Uncertain significance for BAP1-related tumor predisposition syndrome. Last evaluated: 2022-11-15. Review status: criteria provided, single submitter. Criteria: Invitae Variant Classification Sherloc (09022015). Collection method: clinical testing. Allele origin: germline.
Comment: This sequence change replaces arginine, which is basic and polar, with lysine, which is basic and polar, at codon 617 of the BAP1 protein (p.Arg617Lys). In summary, the available evidence is currently insufficient to determine the role of this variant in disease. Therefore, it has been classified as a Variant of Uncertain Significance. This variant is present in population databases (rs751746876, gnomAD 0.006%). This variant has not been reported in the literature in individuals affected with BAP1-related conditions. ClinVar contains an entry for this variant (Variation ID: 1038893). Advanced modeling of protein sequence and biophysical properties (such as structural, functional, and spatial information, amino acid conservation, physicochemical variation, residue mobility, and thermodynamic stability) performed at Invitae indicates that this missense variant is not expected to disrupt BAP1 protein function.

Ambry Genetics
Classification: Uncertain significance for Hereditary cancer-predisposing syndrome. Last evaluated: 2022-02-06. Review status: criteria provided, single submitter. Criteria: Ambry Variant Classification Scheme 2023. Collection method: clinical testing. Allele origin: germline.
Comment: The p.R617K variant (also known as c.1850G>A), located in coding exon 14 of the BAP1 gene, results from a G to A substitution at nucleotide position 1850. The arginine at codon 617 is replaced by lysine, an amino acid with highly similar properties. This amino acid position is conserved. In addition, this alteration is predicted to be tolerated by in silico analysis. Since supporting evidence is limited at this time, the clinical significance of this alteration remains unclear.